The following is an entry in ClinVar:

ClinVar aggregate classification (germline): Uncertain significance (1 of 4 stars; one submission).

Allele frequency attached by ClinVar (database versions not stated): gnomAD exomes below 0.00001; ExAC 0.00001.
gnomAD v4.1: 1 of 1,614,202 alleles (0.000062%); highest among the groups gnomAD compares: South Asian, 0.0011%; no homozygotes.

Submission:

Labcorp Genetics (formerly Invitae), Labcorp
Classification: Uncertain significance. Last evaluated: 2022-04-22. Review status: criteria provided, single submitter. Criteria: Invitae Variant Classification Sherloc (09022015). Collection method: clinical testing. Allele origin: germline.
Comment: In summary, the available evidence is currently insufficient to determine the role of this variant in disease. Therefore, it has been classified as a Variant of Uncertain Significance. Algorithms developed to predict the effect of missense changes on protein structure and function are either unavailable or do not agree on the potential impact of this missense change (SIFT: "Deleterious"; PolyPhen-2: "Benign"; Align-GVGD: "Class C35"). This variant has not been reported in the literature in individuals affected with NBAS-related conditions. This variant is present in population databases (rs776082402, gnomAD 0.003%). This sequence change replaces threonine, which is neutral and polar, with proline, which is neutral and non-polar, at codon 1848 of the NBAS protein (p.Thr1848Pro).

NM_015909.4(NBAS):c.5542A>C (p.Thr1848Pro)

Gene: NBAS (NBAS subunit of NRZ tethering complex; minus strand). Cytogenetic location: 2p24.3.
Variant type: single nucleotide variant.
Coding change: c.5542A>C on transcript NM_015909.4 (MANE Select); coding-DNA position 5542, A replaced by C.
Protein change: p.Thr1848Pro; replaces threonine 1848 with proline.
Molecular consequence: missense variant. On other transcripts: non-coding transcript variant (1).
Genome position (GRCh38, 1-based): chr2:15,275,666, T>G on the plus strand (A>C on the coding strand, the complement: NBAS is on the minus strand). VCF-style: chr2-15275666-T-G. GRCh37 (hg19) VCF-style: chr2-15415790-T-G.
Other names: short protein forms T1848P.
Identifiers: ClinVar variation 2129233 (VCV002129233.4), dbSNP rs776082402, ClinGen allele CA1535277.